The following is an entry in ClinVar:

NM_000212.3(ITGB3):c.385C>A (p.Gln129Lys)

Gene: ITGB3 (integrin subunit beta 3; plus strand). Cytogenetic location: 17q21.32.
Variant type: single nucleotide variant.
Coding change: c.385C>A on transcript NM_000212.3 (MANE Select); coding-DNA position 385, C replaced by A.
Protein change: p.Gln129Lys; replaces glutamine 129 with lysine.
Molecular consequence: missense variant.
Genome position (GRCh38, 1-based): chr17:47,284,466, C>A. VCF-style: chr17-47284466-C-A. GRCh37 (hg19) VCF-style: chr17-45361832-C-A.
Other names: NM_000212.3:c.385C>A; short protein forms Q129K.
Identifiers: ClinVar variation 2498363 (VCV002498363.6), dbSNP rs281864909, ClinGen allele CA291224635.

ClinVar aggregate classification (germline): Uncertain significance. Review status: reviewed by expert panel (3 of 4 stars). 2 submissions from 2 submitters: Uncertain significance (1). 1 of the submissions does not count toward it. Last evaluated 2025-11-06.

Conditions:
Glanzmann thrombasthenia. Also called: BLEEDING DISORDER, PLATELET-TYPE, 2; THROMBASTHENIA OF GLANZMANN AND NAEGELI; Thrombasthenia; PLATELET GLYCOPROTEIN IIb-IIIa DEFICIENCY; Glanzmann's thrombasthenia. Identifiers: Orphanet 849, MedGen C0040015, MONDO:0100326.

gnomAD v4.1: 2 of 1,614,024 alleles (0.00012%); no homozygotes.

Submissions (2):

ClinGen Platelet Disorders Variant Curation Expert Panel, ClinGen
Classification: Uncertain significance for Glanzmann thrombasthenia. Last evaluated: 2025-11-06. Review status: reviewed by expert panel. Criteria: ClinGen Platelet ACMG Specifications v2-1. Collection method: curation. Allele origin: germline. Inheritance: Autosomal recessive inheritance.
Comment: After a comprehensive literature search, the missense variant NM_000212.3:c.385C>A (p.Gln129Lys) was not identified in any individuals with Glanzmann thrombasthenia. The variant is not present in any continental genetic ancestry group in gnomADv4.1 (PM2_supporting). The computational predictor REVEL gives a score of 0.408, which is intermediate between PP3 and BP4. The variant was identified in relation to severe neonatal alloimmune thrombocytopenia, where the variant was found to have normal surface expression in HEK-293 cells, though this assay use did not meet our criteria for BS3 specification (PMID: 21896032). In summary, this variant meets the criteria to be classified as Uncertain significance - insufficient evidence for autosomal recessive inheritance of Glanzmann thrombasthenia based on the ACMG/AMP criteria applied, as specified by the ClinGen PD VCEP: PM2_Supporting (VCEP specifications version 2.1).

Labcorp Genetics (formerly Invitae), Labcorp
Classification: Uncertain significance. Last evaluated: 2023-11-22. Review status: criteria provided, single submitter. Criteria: Invitae Variant Classification Sherloc (09022015). Collection method: clinical testing. Allele origin: germline. Not counted in ClinVar's aggregate classification.
Comment: This sequence change replaces glutamine, which is neutral and polar, with lysine, which is basic and polar, at codon 129 of the ITGB3 protein (p.Gln129Lys). This variant is not present in population databases (gnomAD no frequency). This missense change has been observed in individual(s) with neonatal alloimmune thrombocytopenia (PMID: 21896032). This variant is also known as p.Q103K. ClinVar contains an entry for this variant (Variation ID: 2498363). Advanced modeling of protein sequence and biophysical properties (such as structural, functional, and spatial information, amino acid conservation, physicochemical variation, residue mobility, and thermodynamic stability) performed at Invitae indicates that this missense variant is not expected to disrupt ITGB3 protein function with a negative predictive value of 80%. Experimental studies have shown that this missense change affects ITGB3 function (PMID: 21896032). In summary, the available evidence is currently insufficient to determine the role of this variant in disease. Therefore, it has been classified as a Variant of Uncertain Significance.

Literature cited by the submitters: PubMed 21896032 (cited by Labcorp Genetics (formerly Invitae), Labcorp).